The following is an entry in ClinVar:

ClinVar aggregate classification (germline): Uncertain significance (1 of 4 stars; one submission).

Allele frequency attached by ClinVar (database versions not stated): gnomAD exomes below 0.00001; TOPMed 0.00001.
gnomAD v4.1: 1 of 1,605,134 alleles (0.000062%); highest among the groups gnomAD compares: Middle Eastern, 0.017%; no homozygotes.

Submission:

Labcorp Genetics (formerly Invitae), Labcorp
Classification: Uncertain significance. Last evaluated: 2022-04-06. Review status: criteria provided, single submitter. Criteria: Invitae Variant Classification Sherloc (09022015). Collection method: clinical testing. Allele origin: germline.
Comment: In summary, the available evidence is currently insufficient to determine the role of this variant in disease. Therefore, it has been classified as a Variant of Uncertain Significance. Algorithms developed to predict the effect of missense changes on protein structure and function output the following: SIFT: "Tolerated"; PolyPhen-2: "Benign"; Align-GVGD: "Class C0". The glutamic acid amino acid residue is found in multiple mammalian species, which suggests that this missense change does not adversely affect protein function. This variant has not been reported in the literature in individuals affected with IL6R-related conditions. This variant is not present in population databases (gnomAD no frequency). This sequence change replaces aspartic acid, which is acidic and polar, with glutamic acid, which is acidic and polar, at codon 272 of the IL6R protein (p.Asp272Glu).

NM_000565.4(IL6R):c.816C>A (p.Asp272Glu)

Gene: IL6R (interleukin 6 receptor; plus strand). Cytogenetic location: 1q21.3.
Variant type: single nucleotide variant.
Coding change: c.816C>A on transcript NM_000565.4 (MANE Select); coding-DNA position 816, C replaced by A.
Protein change: p.Asp272Glu; replaces aspartic acid 272 with glutamic acid.
Molecular consequence: missense variant.
Genome position (GRCh38, 1-based): chr1:154,435,977, C>A. VCF-style: chr1-154435977-C-A. GRCh37 (hg19) VCF-style: chr1-154408453-C-A.
Other names: c.816C>A, p.Asp272Glu (NM_001206866.2, NM_001382769.1, NM_001382770.1 and 3 more transcripts); c.810C>A, p.Asp270Glu (NM_001382772.1); c.456C>A, p.Asp152Glu (NM_001382774.1); short protein forms D152E, D270E, D272E.
Identifiers: ClinVar variation 1902270 (VCV001902270.5), dbSNP rs1173042510, ClinGen allele CA342614962.